The following is an entry in ClinVar:

ClinVar aggregate classification (germline): Uncertain significance. Review status: criteria provided, multiple submitters, no conflicts (2 of 4 stars). 2 submissions from 2 submitters: Uncertain significance (2). Last evaluated 2025-06-14.

Conditions:
Inborn genetic diseases. Identifiers: MedGen C0950123, MeSH D030342.

gnomAD v4.1: 1 of 1,612,994 alleles (0.000062%); highest among the groups gnomAD compares: African/African-American, 0.0013%; no homozygotes.

Submissions (2):

Ambry Genetics
Classification: Uncertain significance for Inborn genetic diseases. Last evaluated: 2025-06-14. Review status: criteria provided, single submitter. Criteria: Ambry Variant Classification Scheme 2023. Collection method: clinical testing. Allele origin: germline.
Comment: The p.P303A variant (also known as c.907C>G), located in coding exon 6 of the G6PC3 gene, results from a C to G substitution at nucleotide position 907. The proline at codon 303 is replaced by alanine, an amino acid with highly similar properties. This amino acid position is conserved. In addition, this alteration is predicted to be tolerated by in silico analysis. Based on the available evidence, the clinical significance of this variant remains unclear.

Blueprint Genetics
Classification: Uncertain significance. Last evaluated: 2019-11-18. Review status: criteria provided, single submitter. Criteria: ACMG Guidelines, 2015. Collection method: clinical testing. Allele origin: germline.

NM_138387.4(G6PC3):c.907C>G (p.Pro303Ala)

Gene: G6PC3 (glucose-6-phosphatase catalytic subunit 3; plus strand). Cytogenetic location: 17q21.31.
Variant type: single nucleotide variant.
Coding change: c.907C>G on transcript NM_138387.4 (MANE Select); coding-DNA position 907, C replaced by G.
Protein change: p.Pro303Ala; replaces proline 303 with alanine.
Molecular consequence: missense variant. On other transcripts: 3 prime UTR variant (1).
Genome position (GRCh38, 1-based): chr17:44,075,909, C>G. VCF-style: chr17-44075909-C-G. GRCh37 (hg19) VCF-style: chr17-42153277-C-G.
Other names: c.*200C>G (NM_001319945.2); c.562C>G, p.Pro188Ala (NM_001384165.1, NM_001384166.1, NM_001384167.1 and 1 more transcripts); short protein forms P303A, P188A.
Identifiers: ClinVar variation 4027627 (VCV004027627.2).
Genomic context (GRCh38, chr17:44,075,909, plus strand): 5'-AAGATAGCCTGCCTTGTGCTGGCCATGGGGCTGCTGGGCCCCCTGGACTGGCTGGGCCAC[C>G]CCCCTCAGATCAGCCTCTTCTACATTTTCAATTTCCTCAAGTACACCCTCTGGCCATGCC-3'
Protein context (NP_612396.1, residues 293-313): LLGPLDWLGH[Pro303Ala]PQISLFYIFN